The following is an entry in ClinVar:

NM_000018.4(ACADVL):c.485G>A (p.Arg162His)

Gene: ACADVL (acyl-CoA dehydrogenase very long chain; plus strand). Cytogenetic location: 17p13.1.
Variant type: single nucleotide variant.
Coding change: c.485G>A on transcript NM_000018.4 (MANE Select); coding-DNA position 485, G replaced by A.
Protein change: p.Arg162His; replaces arginine 162 with histidine.
Molecular consequence: missense variant.
Genome position (GRCh38, 1-based): chr17:7,221,545, G>A. VCF-style: chr17-7221545-G-A. GRCh37 (hg19) VCF-style: chr17-7124864-G-A.
Other names: c.419G>A, p.Arg140His (NM_001033859.3); c.554G>A, p.Arg185His (NM_001270447.2); c.257G>A, p.Arg86His (NM_001270448.2); short protein forms R162H, R86H, R185H, R140H.
Identifiers: ClinVar variation 617956 (VCV000617956.17), dbSNP rs754756970, ClinGen allele CA8337744.

ClinVar aggregate classification (germline): Conflicting classifications of pathogenicity. Review status: criteria provided, conflicting classifications (1 of 4 stars). 5 submissions from 5 submitters: Likely pathogenic (1); Uncertain significance (4). Last evaluated 2022-10-24.

Conditions:
Very long chain acyl-CoA dehydrogenase deficiency (ACADVLD). Also called: Very Long-Chain Acyl-Coenzyme A Dehydrogenase Deficiency; VLCAD Deficiency. Identifiers: Orphanet 26793, MedGen C3887523, MONDO:0008723, OMIM 201475.

Allele frequency attached by ClinVar (database versions not stated): gnomAD exomes 0.00001 and 0.00002; ExAC 0.00002; gnomAD 0.00002; TOPMed 0.00003.
gnomAD v4.1: 16 of 1,614,032 alleles (0.00099%); highest among the groups gnomAD compares: African/African-American, 0.0067%; no homozygotes.

Submissions (5):

Labcorp Genetics (formerly Invitae), Labcorp
Classification: Uncertain significance for Very long chain acyl-CoA dehydrogenase deficiency. Last evaluated: 2022-10-24. Review status: criteria provided, single submitter. Criteria: Invitae Variant Classification Sherloc (09022015). Collection method: clinical testing. Allele origin: germline.
Comment: This sequence change replaces arginine, which is basic and polar, with histidine, which is basic and polar, at codon 162 of the ACADVL protein (p.Arg162His). This variant is present in population databases (rs754756970, gnomAD 0.007%). This missense change has been observed in individual(s) with a positive newborn screening result for ACADVL-related disease (PMID: 23480858). ClinVar contains an entry for this variant (Variation ID: 617956). Advanced modeling of protein sequence and biophysical properties (such as structural, functional, and spatial information, amino acid conservation, physicochemical variation, residue mobility, and thermodynamic stability) performed at Invitae indicates that this missense variant is expected to disrupt ACADVL protein function. Experimental studies have shown that this missense change affects ACADVL function (PMID: 23480858). In summary, the available evidence is currently insufficient to determine the role of this variant in disease. Therefore, it has been classified as a Variant of Uncertain Significance.

Wong Mito Lab, Molecular and Human Genetics, Baylor College of Medicine
Classification: Uncertain significance for Very long chain acyl-CoA dehydrogenase deficiency. Last evaluated: 2019-11-01. Review status: criteria provided, single submitter. Criteria: ACMG Guidelines, 2015. Collection method: clinical testing. Allele origin: germline.
Comment: The NM_000018.3:c.485G>A (NP_000009.1:p.Arg162His) [GRCH38: NC_000017.11:g.7221545G>A] variant in ACADVL gene is interpretated to be Uncertain Significance based on ACMG guidelines (PMID: 25741868). This variant has been reported. This variant meets the following evidence codes reported in the ACMG guidelines: BS3, PP3

GeneDx
Classification: Likely pathogenic. Last evaluated: 2019-04-15. Review status: criteria provided, single submitter. Criteria: GeneDx Variant Classification Process June 2021. Collection method: clinical testing. Allele origin: germline. Affected: yes.
Comment: Observed in an individual with a positive newborn screen for VLCAD deficiency who was reported to be asymptomatic one year later and no second variant reported (Schiff et al., 2013); Expression of recombinant R162H protein in bacterial system showed decreased protein expression by western blot and no detectable enzymatic activity as compared to wildtype control (Schiff et al., 2013); In silico analysis, which includes protein predictors and evolutionary conservation, supports a deleterious effect; Not observed at a significant frequency in large population cohorts (Lek et al., 2016); The majority of missense variants in this gene are considered pathogenic (Stenson et al., 2014); This variant is associated with the following publications: (PMID: 23480858)

Blueprint Genetics
Classification: Uncertain significance. Last evaluated: 2018-12-19. Review status: criteria provided, single submitter. Criteria: ACMG Guidelines, 2015. Collection method: clinical testing. Allele origin: germline.

ARUP Laboratories, Molecular Genetics and Genomics, ARUP Laboratories
Classification: Uncertain significance. Last evaluated: 2017-07-10. Review status: criteria provided, single submitter. Criteria: ARUP Molecular Germline Variant Investigation Process. Collection method: clinical testing. Allele origin: germline.

Literature cited by the submitters: PubMed 23480858 (cited by Labcorp Genetics (formerly Invitae), Labcorp and Wong Mito Lab, Molecular and Human Genetics, Baylor College of Medicine).